The following is an entry in ClinVar:

NM_198428.3(BBS9):c.2108A>G (p.Tyr703Cys)

Gene: BBS9 (Bardet-Biedl syndrome 9; plus strand). Cytogenetic location: 7p14.3.
Variant type: single nucleotide variant.
Coding change: c.2108A>G on transcript NM_198428.3 (MANE Select); coding-DNA position 2108, A replaced by G.
Protein change: p.Tyr703Cys; replaces tyrosine 703 with cysteine.
Molecular consequence: missense variant. On other transcripts: non-coding transcript variant (3).
Genome position (GRCh38, 1-based): chr7:33,388,137, A>G. VCF-style: chr7-33388137-A-G. GRCh37 (hg19) VCF-style: chr7-33427749-A-G.
Other names: c.1835A>G, p.Tyr612Cys (NM_001348038.3); c.1730A>G, p.Tyr577Cys (NM_001348039.3); c.1988A>G, p.Tyr663Cys (NM_001348040.3, NM_014451.4); c.2108A>G, p.Tyr703Cys (NM_001348041.4, NM_001348043.3, NM_001362679.1 and 3 more transcripts); c.1973A>G, p.Tyr658Cys (NM_001348042.3); c.1637A>G, p.Tyr546Cys (NM_001348044.3); c.1742A>G, p.Tyr581Cys (NM_001348045.3, NM_001348046.3, NM_001348037.3); c.2003A>G, p.Tyr668Cys (NM_001033604.2); and 1 more; short protein forms Y546C, Y577C, Y703C, Y581C, Y612C, Y658C, Y663C, Y668C.
Identifiers: ClinVar variation 2117248 (VCV002117248.1), dbSNP rs780588389, ClinGen allele CA4214597.
Genomic context (GRCh38, chr7:33,388,137, plus strand): 5'-GATTCAAAGATAAAACTCCTGCCCCTCTTCAACACCTGGACACCTTGTTAGATGGAACCT[A>G]CAAGCAGGTCAGTATAATATCAGTAACAGTTTTCTATTACTGGCTATACTTTTTTTTGTC-3'
Protein context (NP_940820.1, residues 693-713): QHLDTLLDGT[Tyr703Cys]KQVIALADAV

ClinVar aggregate classification (germline): Uncertain significance (1 of 4 stars; one submission).

Conditions:
Bardet-Biedl syndrome (BBS). Identifiers: Orphanet 110, MedGen C0752166, MONDO:0015229.

Allele frequency attached by ClinVar (database versions not stated): gnomAD 0.00001; gnomAD exomes 0.00001; ExAC 0.00002.
gnomAD v4.1: 5 of 1,613,976 alleles (0.00031%); highest among the groups gnomAD compares: East Asian, 0.0067%; no homozygotes.

Submission:

Labcorp Genetics (formerly Invitae), Labcorp
Classification: Uncertain significance for Bardet-Biedl syndrome. Last evaluated: 2022-03-26. Review status: criteria provided, single submitter. Criteria: Invitae Variant Classification Sherloc (09022015). Collection method: clinical testing. Allele origin: germline.
Comment: This sequence change replaces tyrosine, which is neutral and polar, with cysteine, which is neutral and slightly polar, at codon 703 of the BBS9 protein (p.Tyr703Cys). This variant is present in population databases (rs780588389, gnomAD 0.006%). This variant has not been reported in the literature in individuals affected with BBS9-related conditions. Algorithms developed to predict the effect of missense changes on protein structure and function are either unavailable or do not agree on the potential impact of this missense change (SIFT: "Deleterious"; PolyPhen-2: "Probably Damaging"; Align-GVGD: "Class C0"). In summary, the available evidence is currently insufficient to determine the role of this variant in disease. Therefore, it has been classified as a Variant of Uncertain Significance.